The following is an entry in ClinVar:

ClinVar aggregate classification (germline): Uncertain significance (1 of 4 stars; one submission).

Submission:

Labcorp Genetics (formerly Invitae), Labcorp
Classification: Uncertain significance. Last evaluated: 2024-05-06. Review status: criteria provided, single submitter. Criteria: Invitae Variant Classification Sherloc (09022015). Collection method: clinical testing. Allele origin: germline.
Comment: This sequence change replaces glutamic acid, which is acidic and polar, with glutamine, which is neutral and polar, at codon 67 of the CSF2RB protein (p.Glu67Gln). This variant is not present in population databases (gnomAD no frequency). This variant has not been reported in the literature in individuals affected with CSF2RB-related conditions. Algorithms developed to predict the effect of missense changes on protein structure and function output the following: SIFT: "Not Available"; PolyPhen-2: "Benign"; Align-GVGD: "Not Available". The glutamine amino acid residue is found in multiple mammalian species, which suggests that this missense change does not adversely affect protein function. In summary, the available evidence is currently insufficient to determine the role of this variant in disease. Therefore, it has been classified as a Variant of Uncertain Significance.

NM_000395.3(CSF2RB):c.199G>C (p.Glu67Gln)

Gene: CSF2RB (colony stimulating factor 2 receptor subunit beta; plus strand). Cytogenetic location: 22q12.3.
Variant type: single nucleotide variant.
Coding change: c.199G>C on transcript NM_000395.3 (MANE Select); coding-DNA position 199, G replaced by C.
Protein change: p.Glu67Gln; replaces glutamic acid 67 with glutamine.
Molecular consequence: missense variant.
Genome position (GRCh38, 1-based): chr22:36,923,366, G>C. VCF-style: chr22-36923366-G-C. GRCh37 (hg19) VCF-style: chr22-37319408-G-C.
Other names: c.199G>C, p.Glu67Gln (NM_001410827.1); short protein forms E67Q.
Identifiers: ClinVar variation 3652375 (VCV003652375.2).